The following is an entry in ClinVar:

ClinVar aggregate classification (germline): Uncertain significance. Review status: criteria provided, multiple submitters, no conflicts (2 of 4 stars). 4 submissions from 4 submitters: Uncertain significance (4). Last evaluated 2024-02-17.

Conditions:
Inborn genetic diseases. Identifiers: MedGen C0950123, MeSH D030342.
Weill-Marchesani syndrome 1 (WMS1). Also called: Weill-Marchesani Syndrome, Autosomal Recessive; ADAMTS10-Related Weill-Marchesani Syndrome; Weill-Marchesani syndrome 1, recessive. Identifiers: Orphanet 3449, MedGen C4552002, MONDO:0010194, OMIM 277600.

Allele frequency attached by ClinVar (database versions not stated): TOPMed 0.00003; gnomAD 0.00004; ExAC 0.00008; ESP Exome Variant Server 0.00015; 1000 Genomes Project 30x 0.00016; 1000 Genomes Project 0.00020.
gnomAD v4.1: 74 of 1,608,618 alleles (0.0046%); highest among the groups gnomAD compares: Admixed American, 0.01%; 1 homozygote.

Submissions (4):

Ambry Genetics
Classification: Uncertain significance for Inborn genetic diseases. Last evaluated: 2024-02-17. Review status: criteria provided, single submitter. Criteria: Ambry Variant Classification Scheme 2023. Collection method: clinical testing. Allele origin: germline.

Fulgent Genetics
Classification: Uncertain significance for Weill-Marchesani syndrome 1. Last evaluated: 2024-01-26. Review status: criteria provided, single submitter. Criteria: ACMG Guidelines, 2015. Collection method: clinical testing. Allele origin: germline.

Labcorp Genetics (formerly Invitae), Labcorp
Classification: Uncertain significance. Last evaluated: 2024-01-25. Review status: criteria provided, single submitter. Criteria: Invitae Variant Classification Sherloc (09022015). Collection method: clinical testing. Allele origin: germline.
Comment: This sequence change replaces alanine, which is neutral and non-polar, with threonine, which is neutral and polar, at codon 4 of the ADAMTS10 protein (p.Ala4Thr). This variant is present in population databases (rs143780237, gnomAD 0.01%). This variant has not been reported in the literature in individuals affected with ADAMTS10-related conditions. ClinVar contains an entry for this variant (Variation ID: 1424935). Algorithms developed to predict the effect of missense changes on protein structure and function output the following: SIFT: "Not Available"; PolyPhen-2: "Benign"; Align-GVGD: "Not Available". The threonine amino acid residue is found in multiple mammalian species, which suggests that this missense change does not adversely affect protein function. In summary, the available evidence is currently insufficient to determine the role of this variant in disease. Therefore, it has been classified as a Variant of Uncertain Significance.

Mayo Clinic Laboratories, Mayo Clinic
Classification: Uncertain significance. Last evaluated: 2023-12-07. Review status: criteria provided, single submitter. Criteria: ACMG Guidelines, 2015. Collection method: clinical testing. Allele origin: germline. Observed: 1 variant allele.
Comment: BP4_strong

NM_030957.4(ADAMTS10):c.10G>A (p.Ala4Thr)

Gene: ADAMTS10 (ADAM metallopeptidase with thrombospondin type 1 motif 10; minus strand). Cytogenetic location: 19p13.2.
Variant type: single nucleotide variant.
Coding change: c.10G>A on transcript NM_030957.4 (MANE Select); coding-DNA position 10, G replaced by A.
Protein change: p.Ala4Thr; replaces alanine 4 with threonine.
Molecular consequence: missense variant.
Genome position (GRCh38, 1-based): chr19:8,605,701, C>T on the plus strand (G>A on the coding strand, the complement: ADAMTS10 is on the minus strand). VCF-style: chr19-8605701-C-T. GRCh37 (hg19) VCF-style: chr19-8670586-C-T.
Other names: p.Ala4Thr; c.10G>A (NM_030957.2); short protein forms A4T.
Identifiers: ClinVar variation 1424935 (VCV001424935.9), dbSNP rs143780237, ClinGen allele CA9160969.
Genomic context (GRCh38, chr19:8,605,701, plus strand): 5'-GCGTGACCTCGAACATGAGGCCCAGCCCCAGGGCGAGGGCCCAGCGGAGGATCTGGCAGG[C>T]GGGAGCCATAGAGGCCACGTGTCCACATGTCTCTCCCCAGCCCCGGCTGCCGGCAGCCCC-3'
Protein context (NP_112219.3, residues 1-14): MAP[Ala4Thr]CQILRWALAL